The following is an entry in ClinVar:

NM_022455.5(NSD1):c.2810G>A (p.Arg937Gln)

Gene: NSD1 (nuclear receptor binding SET domain protein 1; plus strand). Cytogenetic location: 5q35.3.
Variant type: single nucleotide variant.
Coding change: c.2810G>A on transcript NM_022455.5 (MANE Select); coding-DNA position 2810, G replaced by A.
Protein change: p.Arg937Gln; replaces arginine 937 with glutamine.
Molecular consequence: missense variant.
Genome position (GRCh38, 1-based): chr5:177,211,209, G>A. VCF-style: chr5-177211209-G-A. GRCh37 (hg19) VCF-style: chr5-176638210-G-A.
Other names: c.1937G>A, p.Arg646Gln (NM_001365684.2, NM_001409306.1, NM_001409307.1 and 3 more transcripts); c.2810G>A, p.Arg937Gln (NM_001409301.1, NM_001409302.1, NM_001409303.1); c.2390G>A, p.Arg797Gln (NM_001409304.1); c.2057G>A, p.Arg686Gln (NM_001409305.1); short protein forms R937Q, R646Q, R686Q, R797Q.
Identifiers: ClinVar variation 3705852 (VCV003705852.3).
Genomic context (GRCh38, chr5:177,211,209, plus strand): 5'-TGCATGATAGTAAGACGAAGGAGCAGCGGTTGATGACTGCTCAAAACCTGGTCTCTTACC[G>A]GAGTCCTGGTCGTGGGGACTGTTCTACTAATAGTCCTGTAGGAGTCTCTAAGGTTTTGGT-3'
Protein context (NP_071900.2, residues 927-947): LMTAQNLVSY[Arg937Gln]SPGRGDCSTN

ClinVar aggregate classification (germline): Uncertain significance (1 of 4 stars; one submission).

gnomAD v4.1: 23 of 1,613,856 alleles (0.0014%); highest among the groups gnomAD compares: African/African-American, 0.004%; no homozygotes.

Submissions (2):

Labcorp Genetics (formerly Invitae), Labcorp
Classification: Uncertain significance. Last evaluated: 2024-04-19. Review status: criteria provided, single submitter. Criteria: Invitae Variant Classification Sherloc (09022015). Collection method: clinical testing. Allele origin: germline.
Comment: This sequence change replaces arginine, which is basic and polar, with glutamine, which is neutral and polar, at codon 937 of the NSD1 protein (p.Arg937Gln). This variant is present in population databases (no rsID available, gnomAD 0.003%). This missense change has been observed in individual(s) with clinical features of NSD1-related conditions (PMID: 33142350). Advanced modeling of protein sequence and biophysical properties (such as structural, functional, and spatial information, amino acid conservation, physicochemical variation, residue mobility, and thermodynamic stability) performed at Invitae indicates that this missense variant is not expected to disrupt NSD1 protein function with a negative predictive value of 80%. In summary, the available evidence is currently insufficient to determine the role of this variant in disease. Therefore, it has been classified as a Variant of Uncertain Significance.

Dr. Peter K. Rogan Lab, Western University
No classification provided (evidence only). Condition: Cholangiocarcinoma. Review status: no classification provided. Collection method: in vitro. Allele origin: not applicable. Functional consequence: retained intron. Not counted in ClinVar's aggregate classification.

Literature cited by the submitters: PubMed 33142350 (cited by Labcorp Genetics (formerly Invitae), Labcorp).